The following is an entry in ClinVar:

ClinVar aggregate classification (germline): Uncertain significance. Review status: criteria provided, multiple submitters, no conflicts (2 of 4 stars). 5 submissions from 5 submitters: Uncertain significance (4). 1 of the submissions does not count toward it. Last evaluated 2025-11-06.

Conditions:
Nephronophthisis. Also called: Juvenile Nephronophthisis. Identifiers: Orphanet 655, MedGen C0687120, MONDO:0019005, HP:0000090.
Joubert syndrome. Also called: JOUBERT-BOLTSHAUSER SYNDROME; Familial aplasia of the vermis. Identifiers: Orphanet 475, MedGen C5979921, MONDO:0018772.
Meckel-Gruber syndrome. Also called: DYSENCEPHALIA SPLANCHNOCYSTICA; Dysencephalia splachnocystica; GRUBER SYNDROME. Identifiers: Orphanet 564, MedGen C0265215, MONDO:0018921.
Meckel syndrome, type 4 (MKS4). Also called: MECKEL-GRUBER SYNDROME, TYPE 4. Identifiers: Orphanet 564, MedGen C1970161, MONDO:0012626, OMIM 611134.
Bardet-Biedl syndrome 14 (BBS14). Identifiers: Orphanet 110, MedGen C2673874, MONDO:0014442, OMIM 615991.
Senior-Loken syndrome 6 (SLSN6). Identifiers: Orphanet 3156, MedGen C1857779, MONDO:0012433, OMIM 610189.
Joubert syndrome 5 (JBTS5). Identifiers: Orphanet 2318, MedGen C1857780, MONDO:0012432, OMIM 610188.
Leber congenital amaurosis 10 (LCA10). Identifiers: Orphanet 65, MedGen C1857821, MONDO:0012723, OMIM 611755.
Leber congenital amaurosis (LCA). Also called: Leber's amaurosis. Identifiers: Orphanet 65, MedGen C0339527, MeSH D057130, MONDO:0018998.

Submissions (5):

Dasa
Classification: Uncertain significance. Last evaluated: 2025-11-06. Review status: criteria provided, single submitter. Criteria: DASA Assertion Criteria. Collection method: clinical testing. Allele origin: germline.
Comment: NM_025114.4(CEP290):c.5226+5_5226+8del is a splice-region variant predicted to affect normal RNA splicing. This variant has been reported in individuals with CEP290-related disorders (PMID: 29641573). Also, this variant is rare in population databases. Computational prediction algorithms are consistent with a deleterious effect. The currently available literature and clinical evidence are not sufficient to establish a definitive association between this variant and the reported condition. Therefore, this variant is classified as a variant of uncertain significance.

Labcorp Genetics (formerly Invitae), Labcorp
Classification: Uncertain significance for Joubert syndrome; Meckel-Gruber syndrome; Nephronophthisis. Last evaluated: 2025-07-20. Review status: criteria provided, single submitter. Criteria: Invitae Variant Classification Sherloc (09022015). Collection method: clinical testing. Allele origin: germline.
Comment: This sequence change falls in intron 38 of the CEP290 gene. It does not directly change the encoded amino acid sequence of the CEP290 protein. It affects a nucleotide within the consensus splice site. This variant is not present in population databases (gnomAD no frequency). This variant has been observed in individual(s) with Senior-Loken syndrome or retinal disease (PMID: 23188109, 29641573). ClinVar contains an entry for this variant (Variation ID: 855645). Variants that disrupt the consensus splice site are a relatively common cause of aberrant splicing (PMID: 17576681, 9536098). Algorithms developed to predict the effect of sequence changes on RNA splicing suggest that this variant may disrupt the consensus splice site. In summary, the available evidence is currently insufficient to determine the role of this variant in disease. Therefore, it has been classified as a Variant of Uncertain Significance.

Baylor Genetics
Classification: Uncertain significance for Bardet-Biedl syndrome 14. Last evaluated: 2023-01-25. Review status: criteria provided, single submitter. Criteria: ACMG Guidelines, 2015. Collection method: clinical testing. Allele origin: unknown.

Fulgent Genetics
Classification: Uncertain significance for Joubert syndrome 5; Senior-Loken syndrome 6; Meckel syndrome, type 4; Leber congenital amaurosis 10; Bardet-Biedl syndrome 14. Last evaluated: 2022-02-08. Review status: criteria provided, single submitter. Criteria: ACMG Guidelines, 2015. Collection method: clinical testing. Allele origin: unknown.

Natera, Inc.
Classification: Uncertain significance for Leber congenital amaurosis. Last evaluated: 2020-11-25. Review status: no assertion criteria provided. Collection method: clinical testing. Allele origin: germline. Not counted in ClinVar's aggregate classification.

Literature cited by the submitters: PubMed 29641573 (cited by Dasa and Labcorp Genetics (formerly Invitae), Labcorp); PubMed 23188109 (cited by Labcorp Genetics (formerly Invitae), Labcorp); PubMed 17576681 (cited by Labcorp Genetics (formerly Invitae), Labcorp); PubMed 9536098 (cited by Labcorp Genetics (formerly Invitae), Labcorp).

NM_025114.4(CEP290):c.5226+5_5226+8del

Gene: CEP290 (centrosomal protein 290; minus strand). Cytogenetic location: 12q21.32.
Variant type: Microsatellite.
Coding change: c.5226+5_5226+8del on transcript NM_025114.4 (MANE Select); bases 5 to 8 of the intron after coding-DNA position 5226, 4 bases deleted (GTAA; older notation c.5226+5_5226+8delGTAA).
Molecular consequence: splice donor variant.
Genome position (GRCh38, 1-based): chr12:88,080,174-88,080,177, TTAC deleted on the plus strand (GTAA on the coding strand, the reverse complement: CEP290 is on the minus strand); deleting any 4 consecutive bases within chr12:88,080,174-88,080,183 gives the same sequence; the c. name uses the placement nearest the transcript's 3' end. VCF-style (leftmost placement, unchanged base first): chr12-88080173-GTTAC-G. GRCh37 (hg19) VCF-style: chr12-88473950-GTTAC-G.
Identifiers: ClinVar variation 855645 (VCV000855645.12), dbSNP rs1353301232, ClinGen allele CA693064738.